The following is an entry in ClinVar:

ClinVar aggregate classification (germline): Conflicting classifications of pathogenicity. Review status: criteria provided, conflicting classifications (1 of 4 stars). 12 submissions from 12 submitters: Uncertain significance (3); Benign (1); Likely benign (5). 3 of the submissions do not count toward it. Last evaluated 2026-09-01.

Conditions:
Type IV short rib polydactyly syndrome (SRTD12). Also called: Beemer-Langer syndrome; SHORT RIB SYNDROME, BEEMER TYPE; SRPS IV; Short rib-polydactyly syndrome type 4; SRPS type 4; Short rib-polydactyly syndrome Beemer type. Identifiers: Orphanet 93268, MedGen C0432198, MONDO:0010024, OMIM 269860.
EVC2-related disorder. Also called: EVC2-related condition.
Curry-Hall syndrome (WAD). Also called: WEYERS ACRODENTAL DYSOSTOSIS. Identifiers: Orphanet 952, MedGen C0457013, MONDO:0008673, OMIM 193530.
Ellis-van Creveld syndrome (EVC). Also called: MESOECTODERMAL DYSPLASIA; Chondroectodermal dysplasia. Identifiers: Orphanet 289, MedGen C0013903, MONDO:0009162, OMIM 225500.

Allele frequency attached by ClinVar (database versions not stated): 1000 Genomes Project 30x 0.00031; 1000 Genomes Project 0.00040; TOPMed 0.00117; gnomAD 0.00126 and 0.00129; ESP Exome Variant Server 0.00138.
gnomAD v4.1: 2,808 of 1,613,972 alleles (0.17%); highest among the groups gnomAD compares: Non-Finnish European, 0.19%; 7 homozygotes.

Submissions (12):

CeGaT Center for Human Genetics Tuebingen
Classification: Likely benign. Last evaluated: 2026-09-01. Review status: criteria provided, single submitter. Criteria: CeGaT Center For Human Genetics Tuebingen Variant Classification Criteria Version 2. Collection method: clinical testing. Allele origin: germline. Affected: yes. Observed: 3 variant alleles.
Comment: EVC2: BP4, BS1

Women's Health and Genetics/Laboratory Corporation of America, LabCorp
Classification: Likely benign. Last evaluated: 2026-06-03. Review status: criteria provided, single submitter. Criteria: LabCorp Variant Classification Summary - May 2015. Collection method: clinical testing. Allele origin: germline.
Comment: Variant summary: EVC2 c.1823G>A (p.Arg608His) results in a non-conservative amino acid change in the encoded protein sequence. Algorithms developed to predict the effect of missense changes on protein structure and function are either unavailable or do not agree on the potential impact of this missense change. The variant allele was found at a frequency of 0.0015 in 251480 control chromosomes, predominantly at a frequency of 0.012 within the Ashkenazi Jewish subpopulation in the gnomAD database. The observed variant frequency within Ashkenazi Jewish control individuals in the gnomAD database exceeds the estimated maximal expected allele frequency for disease-causing variants in EVC2. To our knowledge, no occurrence of c.1823G>A in individuals affected with EVC2-related conditions and no experimental evidence demonstrating its impact on protein function have been reported. ClinVar contains an entry for this variant (Variation ID: 281122). Based on the evidence outlined above, the variant was classified as likely benign.

Labcorp Genetics (formerly Invitae), Labcorp
Classification: Benign for Curry-Hall syndrome; Ellis-van Creveld syndrome. Last evaluated: 2026-01-28. Review status: criteria provided, single submitter. Criteria: Invitae Variant Classification Sherloc (09022015). Collection method: clinical testing. Allele origin: germline.

Blueprint Genetics
Classification: Likely benign. Last evaluated: 2024-11-26. Review status: criteria provided, single submitter. Criteria: ACMG Guidelines, 2015. Collection method: clinical testing. Allele origin: germline.

ARUP Laboratories, Molecular Genetics and Genomics, ARUP Laboratories
Classification: Likely benign. Last evaluated: 2023-09-27. Review status: criteria provided, single submitter. Criteria: ARUP Molecular Germline Variant Investigation Process 2024. Collection method: clinical testing. Allele origin: germline.

Revvity Omics, Revvity
Classification: Uncertain significance. Last evaluated: 2022-06-30. Review status: criteria provided, single submitter. Criteria: ACMG Guidelines, 2015. Collection method: clinical testing. Allele origin: germline.

GeneDx
Classification: Likely benign. Last evaluated: 2021-01-18. Review status: criteria provided, single submitter. Criteria: GeneDx Variant Classification Process June 2021. Collection method: clinical testing. Allele origin: germline. Affected: yes.
Comment: This variant is associated with the following publications: (PMID: 29068549)

Illumina Laboratory Services, Illumina
Classification: Uncertain significance for Ellis-van Creveld syndrome. Last evaluated: 2018-01-13. Review status: criteria provided, single submitter. Criteria: ICSL Variant Classification Criteria 13 December 2019. Collection method: clinical testing. Allele origin: germline.

Eurofins Ntd Llc (ga)
Classification: Uncertain significance. Last evaluated: 2016-06-16. Review status: criteria provided, single submitter. Criteria: EGL Classification Definitions 2015. Collection method: clinical testing. Allele origin: germline. Observed: 2 variant alleles, 2 heterozygotes.

PreventionGenetics, part of Exact Sciences
Classification: Likely benign for EVC2-related condition. Last evaluated: 2024-03-13. Review status: no assertion criteria provided. Collection method: clinical testing. Allele origin: germline. Not counted in ClinVar's aggregate classification.
Comment: This variant is classified as likely benign based on ACMG/AMP sequence variant interpretation guidelines (Richards et al. 2015 PMID: 25741868, with internal and published modifications).

Dan Cohn Lab, University Of California Los Angeles
Classification: Uncertain significance for Type IV short rib polydactyly syndrome. Last evaluated: 2017-06-01. Review status: no assertion criteria provided. Collection method: research. Allele origin: unknown. Affected: yes. Not counted in ClinVar's aggregate classification.

University of Washington Center for Mendelian Genomics, University of Washington
Classification: Likely pathogenic for short-rib polydactyly syndrome type IV. Review status: no assertion criteria provided. Collection method: research. Allele origin: inherited. Affected: yes. Not counted in ClinVar's aggregate classification.

Literature cited by the submitters: PubMed 29068549 (cited by Dan Cohn Lab, University Of California Los Angeles and University of Washington Center for Mendelian Genomics, University of Washington).

NM_147127.5(EVC2):c.1823G>A (p.Arg608His)

Gene: EVC2 (EvC ciliary complex subunit 2; minus strand). Cytogenetic location: 4p16.2.
Variant type: single nucleotide variant.
Coding change: c.1823G>A on transcript NM_147127.5 (MANE Select); coding-DNA position 1823, G replaced by A.
Protein change: p.Arg608His; replaces arginine 608 with histidine.
Molecular consequence: missense variant.
Genome position (GRCh38, 1-based): chr4:5,628,622, C>T on the plus strand (G>A on the coding strand, the complement: EVC2 is on the minus strand). VCF-style: chr4-5628622-C-T. GRCh37 (hg19) VCF-style: chr4-5630349-C-T.
Other names: c.1583G>A, p.Arg528His (NM_001166136.2); short protein forms R608H, R528H.
Identifiers: ClinVar variation 281122 (VCV000281122.57), dbSNP rs145693546, ClinGen allele CA2834927.